The following is an entry in ClinVar:

ClinVar aggregate classification (germline): Benign. Review status: criteria provided, multiple submitters, no conflicts (2 of 4 stars). 2 submissions from 2 submitters: Benign (2). Last evaluated 2018-01-13.

Conditions:
Fanconi anemia complementation group P. Also called: SLX4-Related Fanconi Anemia. Identifiers: Orphanet 84, MedGen C3469542, MONDO:0013499, OMIM 613951.

Allele frequency attached by ClinVar (database versions not stated): gnomAD exomes 0.00176; gnomAD 0.01694 and 0.01845; 1000 Genomes Project 0.01817; 1000 Genomes Project 30x 0.01905; TOPMed 0.01931.
gnomAD v4.1: 2,559 of 153,428 alleles (1.7%); highest among the groups gnomAD compares: African/African-American, 5.8%; 92 homozygotes.

Submissions (2):

Illumina Laboratory Services, Illumina
Classification: Benign for Fanconi anemia complementation group P. Last evaluated: 2018-01-13. Review status: criteria provided, single submitter. Criteria: ICSL Variant Classification Criteria 13 December 2019. Collection method: clinical testing. Allele origin: germline.
Comment: This variant was observed in the ICSL laboratory as part of a predisposition screen in an ostensibly healthy population. It had not been previously curated by ICSL or reported in the Human Gene Mutation Database (HGMD: prior to June 1st, 2018), and was therefore a candidate for classification through an automated scoring system. Utilizing variant allele frequency, disease prevalence and penetrance estimates, and inheritance mode, an automated score was calculated to assess if this variant is too frequent to cause the disease. Based on the score and internal cut-off values, a variant classified as benign is not then subjected to further curation. The score for this variant resulted in a classification of benign for this disease.

Breakthrough Genomics
Classification: Benign. Review status: criteria provided, single submitter. Criteria: ACMG Guidelines, 2015. Collection method: not provided. Allele origin: germline. Inheritance: Autosomal recessive inheritance. Affected: yes.

NM_032444.4(SLX4):c.*807G>A

Gene: SLX4 (SLX4 structure-specific endonuclease subunit; minus strand). Cytogenetic location: 16p13.3.
Variant type: single nucleotide variant.
Coding change: c.*807G>A on transcript NM_032444.4 (MANE Select); 807 bases downstream of the stop codon, G replaced by A.
Molecular consequence: 3 prime UTR variant.
Genome position (GRCh38, 1-based): chr16:3,581,535, C>T on the plus strand (G>A on the coding strand, the complement: SLX4 is on the minus strand). VCF-style: chr16-3581535-C-T. GRCh37 (hg19) VCF-style: chr16-3631536-C-T.
Other names: c.*807G>A (LRG_503t1).
Identifiers: ClinVar variation 319129 (VCV000319129.6), dbSNP rs115690937, ClinGen allele CA10648344.